The following is an entry in ClinVar:

NM_005751.5(AKAP9):c.1253T>C (p.Ile418Thr)

Gene: AKAP9 (A-kinase anchoring protein 9; plus strand). Cytogenetic location: 7q21.2.
Variant type: single nucleotide variant.
Coding change: c.1253T>C on transcript NM_005751.5 (MANE Select); coding-DNA position 1253, T replaced by C.
Protein change: p.Ile418Thr; replaces isoleucine 418 with threonine.
Molecular consequence: missense variant.
Genome position (GRCh38, 1-based): chr7:92,001,170, T>C. VCF-style: chr7-92001170-T-C. GRCh37 (hg19) VCF-style: chr7-91630484-T-C.
Other names: c.1253T>C, p.Ile418Thr (NM_147185.3); short protein forms I418T.
Identifiers: ClinVar variation 457087 (VCV000457087.9), dbSNP rs752626437, ClinGen allele CA4335990.
Genomic context (GRCh38, chr7:92,001,170, plus strand): 5'-TGGGGACAGTCGAAGAACTTCAGAAGAGAAATCATAAAGACAGCCAGTTCGAAACTGATA[T>C]AGTACAACGAATGGAACAAGAAACACAAAGAAAGTTAGAACAACTCCGGGCAGAGCTGGA-3'
Protein context (NP_005742.4, residues 408-428): NHKDSQFETD[Ile418Thr]VQRMEQETQR

ClinVar aggregate classification (germline): Uncertain significance (1 of 4 stars; one submission).

Conditions:
Long QT syndrome (LQTS). Identifiers: MedGen C0023976, MeSH D008133, MONDO:0002442. Disease mechanism: loss of function. Inheritance: Various modes of inheritance.

Allele frequency attached by ClinVar (database versions not stated): ExAC 0.00002.
gnomAD v4.1: 14 of 1,613,996 alleles (0.00087%); highest among the groups gnomAD compares: Admixed American, 0.0033%; no homozygotes.

Submission:

Labcorp Genetics (formerly Invitae), Labcorp
Classification: Uncertain significance for Long QT syndrome. Last evaluated: 2024-11-21. Review status: criteria provided, single submitter. Criteria: Invitae Variant Classification Sherloc (09022015). Collection method: clinical testing. Allele origin: germline.
Comment: This sequence change replaces isoleucine, which is neutral and non-polar, with threonine, which is neutral and polar, at codon 418 of the AKAP9 protein (p.Ile418Thr). This variant is present in population databases (rs752626437, gnomAD 0.01%). This variant has not been reported in the literature in individuals affected with AKAP9-related conditions. ClinVar contains an entry for this variant (Variation ID: 457087). An algorithm developed to predict the effect of missense changes on protein structure and function outputs the following: PolyPhen-2: "Benign". The threonine amino acid residue is found in multiple mammalian species, which suggests that this missense change does not adversely affect protein function. In summary, the available evidence is currently insufficient to determine the role of this variant in disease. Therefore, it has been classified as a Variant of Uncertain Significance.